The following is an entry in ClinVar:

NM_001371986.1(UNC80):c.3840+6C>T

Genes: UNC80 (unc-80 subunit of NALCN channel complex; plus strand), LOC121725110 (Sharpr-MPRA regulatory region 8902; plus strand). Cytogenetic location: 2q34.
Variant type: single nucleotide variant.
Coding change: c.3840+6C>T on transcript NM_001371986.1 (MANE Select); 6 bases into the intron after coding-DNA position 3840, C replaced by T.
Molecular consequence: intron variant.
Genome position (GRCh38, 1-based): chr2:209,872,976, C>T. VCF-style: chr2-209872976-C-T. GRCh37 (hg19) VCF-style: chr2-210737700-C-T.
Other names: c.3846+6C>T (NM_032504.2); c.3831+6C>T (NM_182587.4).
Identifiers: ClinVar variation 2060651 (VCV002060651.4), dbSNP rs1559238602, ClinGen allele CA539391245.

ClinVar aggregate classification (germline): Uncertain significance (1 of 4 stars; one submission).

Allele frequency attached by ClinVar (database versions not stated): gnomAD exomes below 0.00001.
gnomAD v4.1: 1 of 1,551,324 alleles (0.000064%); highest among the groups gnomAD compares: South Asian, 0.0012%; no homozygotes.

Submission:

Labcorp Genetics (formerly Invitae), Labcorp
Classification: Uncertain significance. Last evaluated: 2022-03-18. Review status: criteria provided, single submitter. Criteria: Invitae Variant Classification Sherloc (09022015). Collection method: clinical testing. Allele origin: germline.
Comment: This sequence change falls in intron 23 of the UNC80 gene. It does not directly change the encoded amino acid sequence of the UNC80 protein. It affects a nucleotide within the consensus splice site. This variant is present in population databases (no rsID available, gnomAD 0.004%). This variant has not been reported in the literature in individuals affected with UNC80-related conditions. Variants that disrupt the consensus splice site are a relatively common cause of aberrant splicing (PMID: 17576681, 9536098). Algorithms developed to predict the effect of sequence changes on RNA splicing suggest that this variant is not likely to affect RNA splicing. In summary, the available evidence is currently insufficient to determine the role of this variant in disease. Therefore, it has been classified as a Variant of Uncertain Significance.

Literature cited by the submitters: PubMed 17576681; PubMed 9536098.